The following is an entry in ClinVar:

NM_014795.4(ZEB2):c.1246A>G (p.Met416Val)

Gene: ZEB2 (zinc finger E-box binding homeobox 2; minus strand). Cytogenetic location: 2q22.3.
Variant type: single nucleotide variant.
Coding change: c.1246A>G on transcript NM_014795.4 (MANE Select); coding-DNA position 1246, A replaced by G.
Protein change: p.Met416Val; replaces methionine 416 with valine.
Molecular consequence: missense variant.
Genome position (GRCh38, 1-based): chr2:144,399,941, T>C on the plus strand (A>G on the coding strand, the complement: ZEB2 is on the minus strand). VCF-style: chr2-144399941-T-C. GRCh37 (hg19) VCF-style: chr2-145157508-T-C.
Other names: c.1174A>G, p.Met392Val (NM_001171653.2); short protein forms M392V, M416V.
Identifiers: ClinVar variation 4811476 (VCV004811476.1).

ClinVar aggregate classification (germline): Uncertain significance (1 of 4 stars; one submission).

Conditions:
Mowat-Wilson syndrome (MOWS). Also called: Classic Mowat-Wilson Syndrome. Identifiers: Orphanet 2152, MedGen C1856113, MONDO:0009341, OMIM 235730.

gnomAD v4.1: 1 of 1,614,214 alleles (0.000062%); no homozygotes.

Submission:

Labcorp Genetics (formerly Invitae), Labcorp
Classification: Uncertain significance for Mowat-Wilson syndrome. Last evaluated: 2025-06-24. Review status: criteria provided, single submitter. Criteria: Invitae Variant Classification Sherloc (09022015). Collection method: clinical testing. Allele origin: germline.
Comment: This sequence change replaces methionine, which is neutral and non-polar, with valine, which is neutral and non-polar, at codon 416 of the ZEB2 protein (p.Met416Val). This variant is not present in population databases (gnomAD no frequency). This variant has not been reported in the literature in individuals affected with ZEB2-related conditions. Invitae Evidence Modeling of protein sequence and biophysical properties (such as structural, functional, and spatial information, amino acid conservation, physicochemical variation, residue mobility, and thermodynamic stability) indicates that this missense variant is not expected to disrupt ZEB2 protein function with a negative predictive value of 80%. In summary, the available evidence is currently insufficient to determine the role of this variant in disease. Therefore, it has been classified as a Variant of Uncertain Significance.